The following is an entry in ClinVar:

ClinVar aggregate classification (germline): Uncertain significance (1 of 4 stars; one submission).

Conditions:
Hereditary cancer-predisposing syndrome. Also called: Neoplastic Syndromes, Hereditary; Tumor predisposition; Hereditary neoplastic syndrome; Hereditary Cancer Syndrome. Identifiers: Orphanet 140162, MedGen C0027672, MeSH D009386, MONDO:0015356.

gnomAD v4.1: 1 of 1,613,918 alleles (0.000062%); highest among the groups gnomAD compares: Non-Finnish European, 0.000085%; no homozygotes.

Submission:

Ambry Genetics
Classification: Uncertain significance for Hereditary cancer-predisposing syndrome. Last evaluated: 2026-07-06. Review status: criteria provided, single submitter. Criteria: Ambry Variant Classification Scheme 2023. Collection method: clinical testing. Allele origin: germline.
Comment: The p.Q65R variant (also known as c.194A>G), located in coding exon 3 of the RAD51D gene, results from an A to G substitution at nucleotide position 194. The glutamine at codon 65 is replaced by arginine, an amino acid with highly similar properties. This amino acid position is conserved. In addition, this alteration is predicted to be tolerated by in silico analysis. Based on the available evidence, the clinical significance of this variant remains unclear.

NM_002878.4(RAD51D):c.263+1513A>G

Genes: RAD51D (RAD51 paralog D; minus strand), RAD51L3-RFFL (RAD51L3-RFFL readthrough; minus strand). Cytogenetic location: 17q12.
Variant type: single nucleotide variant.
Coding change: c.263+1513A>G on transcript NM_002878.4 (MANE Select); 1513 bases into the intron after coding-DNA position 263, A replaced by G.
Molecular consequence: intron variant. On other transcripts: missense variant (1).
Genome position (GRCh38, 1-based): chr17:35,116,988, T>C on the plus strand (A>G on the coding strand, the complement: RAD51D is on the minus strand). VCF-style: chr17-35116988-T-C. GRCh37 (hg19) VCF-style: chr17-33444007-T-C.
Other names: c.194A>G, p.Gln65Arg (NM_001142571.2); c.144+2123A>G (NM_133629.3); short protein forms Q65R.
Identifiers: ClinVar variation 5027825 (VCV005027825.1).